The following is an entry in ClinVar:

NM_004655.4(AXIN2):c.1982A>G (p.His661Arg)

Gene: AXIN2 (axin 2; minus strand). Cytogenetic location: 17q24.1.
Variant type: single nucleotide variant.
Coding change: c.1982A>G on transcript NM_004655.4 (MANE Select); coding-DNA position 1982, A replaced by G.
Protein change: p.His661Arg; replaces histidine 661 with arginine.
Molecular consequence: missense variant.
Genome position (GRCh38, 1-based): chr17:65,536,479, T>C on the plus strand (A>G on the coding strand, the complement: AXIN2 is on the minus strand). VCF-style: chr17-65536479-T-C. GRCh37 (hg19) VCF-style: chr17-63532597-T-C.
Other names: c.1787A>G, p.His596Arg (NM_001363813.1); short protein forms H596R, H661R.
Identifiers: ClinVar variation 4824617 (VCV004824617.1).

ClinVar aggregate classification (germline): Uncertain significance (1 of 4 stars; one submission).

Conditions:
Hereditary cancer-predisposing syndrome. Also called: Neoplastic Syndromes, Hereditary; Hereditary neoplastic syndrome; Tumor predisposition; Hereditary Cancer Syndrome. Identifiers: Orphanet 140162, MedGen C0027672, MeSH D009386, MONDO:0015356.

Submission:

Ambry Genetics
Classification: Uncertain significance for Hereditary cancer-predisposing syndrome. Last evaluated: 2026-02-02. Review status: criteria provided, single submitter. Criteria: Ambry Variant Classification Scheme 2023. Collection method: clinical testing. Allele origin: germline.
Comment: The p.H661R variant (also known as c.1982A>G), located in coding exon 7 of the AXIN2 gene, results from an A to G substitution at nucleotide position 1982. The histidine at codon 661 is replaced by arginine, an amino acid with highly similar properties. This amino acid position is well conserved in available vertebrate species. In addition, the in silico prediction for this alteration is inconclusive. Based on the available evidence, the clinical significance of this variant remains unclear.